The following is an entry in ClinVar:

ClinVar aggregate classification (germline): Uncertain significance (1 of 4 stars; one submission).

gnomAD v4.1: 2 of 1,613,766 alleles (0.00012%); highest among the groups gnomAD compares: Non-Finnish European, 0.00017%; no homozygotes.

Submission:

Women's Health and Genetics/Laboratory Corporation of America, LabCorp
Classification: Uncertain significance. Last evaluated: 2024-12-24. Review status: criteria provided, single submitter. Criteria: LabCorp Variant Classification Summary - May 2015. Collection method: clinical testing. Allele origin: germline.
Comment: Variant summary: PDE8B c.1803C>A (p.Phe601Leu) results in a non-conservative amino acid change located in the 3'5'-cyclic nucleotide phosphodiesterase, catalytic domain (IPR002073) of the encoded protein sequence. Three of four in-silico tools predict a benign effect of the variant on protein function. The variant was absent in 251460 control chromosomes. The available data on variant occurrences in the general population are insufficient to allow any conclusion about variant significance. To our knowledge, no occurrence of c.1803C>A in individuals affected with PDE8B-Related Disorders and no experimental evidence demonstrating its impact on protein function have been reported. No submitters have cited clinical-significance assessments for this variant to ClinVar. Based on the evidence outlined above, the variant was classified as uncertain significance.

NM_003719.5(PDE8B):c.1803C>A (p.Phe601Leu)

Gene: PDE8B (phosphodiesterase 8B; plus strand). Cytogenetic location: 5q13.3.
Variant type: single nucleotide variant.
Coding change: c.1803C>A on transcript NM_003719.5 (MANE Select); coding-DNA position 1803, C replaced by A.
Protein change: p.Phe601Leu; replaces phenylalanine 601 with leucine.
Molecular consequence: missense variant.
Genome position (GRCh38, 1-based): chr5:77,413,201, C>A. VCF-style: chr5-77413201-C-A. GRCh37 (hg19) VCF-style: chr5-76709026-C-A.
Other names: c.1512C>A, p.Phe504Leu (NM_001029851.4); c.1638C>A, p.Phe546Leu (NM_001029852.4); c.1743C>A, p.Phe581Leu (NM_001029853.4); c.1662C>A, p.Phe554Leu (NM_001029854.4); c.1800C>A, p.Phe600Leu (NM_001349748.3, NM_001349751.3); c.1866C>A, p.Phe622Leu (NM_001349749.3); c.1563C>A, p.Phe521Leu (NM_001349750.3); c.1497C>A, p.Phe499Leu (NM_001349752.3); and 12 more; short protein forms F380L, F383L, F403L, F452L, F453L, F473L, F477L, F480L.
Identifiers: ClinVar variation 3768434 (VCV003768434.1).